The following is an entry in ClinVar:

ClinVar aggregate classification (germline): Benign (1 of 4 stars; one submission).

Allele frequency attached by ClinVar (database versions not stated): 1000 Genomes Project 0.18450; 1000 Genomes Project 30x 0.18676; TOPMed 0.20644; gnomAD 0.21330 and 0.21650.

Submission:

GeneDx
Classification: Benign. Last evaluated: 2020-11-02. Review status: criteria provided, single submitter. Criteria: GeneDx Variant Classification Process June 2021. Collection method: clinical testing. Allele origin: germline. Affected: yes.
Comment: This variant is associated with the following publications: (PMID: 25526461)

NC_000005.10:g.177357511G>A

Gene: RGS14 (regulator of G protein signaling 14; plus strand). Cytogenetic location: 5q35.3.
Variant type: single nucleotide variant.
Genome position: GRCh38 VCF-style: chr5-177357511-G-A. GRCh37 (hg19) VCF-style: chr5-176784512-G-A.
Identifiers: ClinVar variation 1235110 (VCV001235110.4), dbSNP rs4075958, ClinGen allele CA11991002.
Genomic context (GRCh38, chr5:177,357,511, plus strand): 5'-GAGAGGGGTACTGAGCACATGTTTGTCTGGCACACAGTAGGTATGAGGTAAGTGTGTGCC[G>A]AGTAAAGTACACGTGTGGATACACAGGTCCCAGTGCACGTGTGTGCATGTCCACAGGAAC-3'